The following is an entry in ClinVar:

NM_003000.3(SDHB):c.727T>C (p.Cys243Arg)

Gene: SDHB (succinate dehydrogenase complex iron sulfur subunit B; minus strand). Cytogenetic location: 1p36.13.
Variant type: single nucleotide variant.
Coding change: c.727T>C on transcript NM_003000.3 (MANE Select); coding-DNA position 727, T replaced by C.
Protein change: p.Cys243Arg; replaces cysteine 243 with arginine.
Molecular consequence: missense variant.
Genome position (GRCh38, 1-based): chr1:17,022,646, A>G on the plus strand (T>C on the coding strand, the complement: SDHB is on the minus strand). VCF-style: chr1-17022646-A-G. GRCh37 (hg19) VCF-style: chr1-17349141-A-G.
Other names: c.673T>C, p.Cys225Arg (NM_001407361.1); short protein forms C225R, C243R.
Identifiers: ClinVar variation 1758066 (VCV001758066.2), dbSNP rs2525003842, ClinGen allele CA338270184.

ClinVar aggregate classification (germline): Pathogenic (1 of 4 stars; one submission).

Conditions:
Hereditary cancer-predisposing syndrome. Also called: Neoplastic Syndromes, Hereditary; Tumor predisposition; Hereditary Cancer Syndrome; Hereditary neoplastic syndrome. Identifiers: Orphanet 140162, MedGen C0027672, MeSH D009386, MONDO:0015356.

Submission:

Ambry Genetics
Classification: Pathogenic for Hereditary cancer-predisposing syndrome. Last evaluated: 2022-01-18. Review status: criteria provided, single submitter. Criteria: Ambry Variant Classification Scheme 2023. Collection method: clinical testing. Allele origin: germline.
Comment: The p.C243R variant (also known as c.727T>C), located in coding exon 7 of the SDHB gene, results from a T to C substitution at nucleotide position 727. The cysteine at codon 243 is replaced by arginine, an amino acid with highly dissimilar properties. The cysteine residue at position 243 acts as the 3Fe-4S ligand and as such, any missense substitution at this position is expected to prevent proper assembly of the membrane-bound form of complex II (Iverson TM, J. Biol. Chem. 2012 Oct; 287(42):35430-8). Another alteration at this codon, p.C243S, has been identified in individuals with paraganglioma-pheochromocytoma (PGL-PCC) syndrome (Ambry internal data; Stenson et al. The Human Gene Mutation Database (HGMD&reg;): 2003 Update. Hum Mutat. 2003;21:577-581). This variant is considered to be rare based on population cohorts in the Genome Aggregation Database (gnomAD). This amino acid position is highly conserved in available vertebrate species. In addition, this alteration is predicted to be deleterious by in silico analysis. Based on the supporting evidence, this alteration is interpreted as a disease-causing mutation.

Literature cited by the submitters: PubMed 17639058; PubMed 22904323.